The following is an entry in ClinVar:

ClinVar aggregate classification (germline): Uncertain significance (1 of 4 stars; one submission).

Conditions:
Inborn genetic diseases. Identifiers: MedGen C0950123, MeSH D030342.

Submission:

Ambry Genetics
Classification: Uncertain significance for Inborn genetic diseases. Last evaluated: 2025-02-15. Review status: criteria provided, single submitter. Criteria: Ambry Variant Classification Scheme 2023. Collection method: clinical testing. Allele origin: germline.
Comment: The p.A290G variant (also known as c.869C>G), located in coding exon 5 of the ERCC6L2 gene, results from a C to G substitution at nucleotide position 869. The alanine at codon 290 is replaced by glycine, an amino acid with similar properties. This amino acid position is conserved. In addition, the in silico prediction for this alteration is inconclusive. Based on the available evidence, the clinical significance of this variant remains unclear.

NM_020207.7(ERCC6L2):c.869C>G (p.Ala290Gly)

Gene: ERCC6L2 (ERCC excision repair 6 like 2; plus strand). Cytogenetic location: 9q22.32.
Variant type: single nucleotide variant.
Coding change: c.869C>G on transcript NM_020207.7 (MANE Select); coding-DNA position 869, C replaced by G.
Protein change: p.Ala290Gly; replaces alanine 290 with glycine.
Molecular consequence: missense variant. On other transcripts: non-coding transcript variant (1).
Genome position (GRCh38, 1-based): chr9:95,915,748, C>G. VCF-style: chr9-95915748-C-G. GRCh37 (hg19) VCF-style: chr9-98678030-C-G.
Other names: c.869C>G, p.Ala290Gly (NM_001010895.4, NM_001375291.1, NM_001375292.1 and 2 more transcripts); short protein forms A290G.
Identifiers: ClinVar variation 3845936 (VCV003845936.1).
Genomic context (GRCh38, chr9:95,915,748, plus strand): 5'-TTGTGGATGAAGCTCATAGAATCAAGAATCCAAAAGCTAGAGTAACAGAAGTTATGAAAG[C>G]TTTGAAATGTAATGTCCGCATTGGCCTCACTGGAACCATCCTTCAGAACAACATGAAGGA-3'
Protein context (NP_064592.3, residues 280-300): PKARVTEVMK[Ala290Gly]LKCNVRIGLT